The following is an entry in ClinVar:

NM_001375808.2(LPIN2):c.377G>A (p.Gly126Asp)

Gene: LPIN2 (lipin 2; minus strand). Cytogenetic location: 18p11.31.
Variant type: single nucleotide variant.
Coding change: c.377G>A on transcript NM_001375808.2 (MANE Select); coding-DNA position 377, G replaced by A.
Protein change: p.Gly126Asp; replaces glycine 126 with aspartic acid.
Molecular consequence: missense variant.
Genome position (GRCh38, 1-based): chr18:2,951,268, C>T on the plus strand (G>A on the coding strand, the complement: LPIN2 is on the minus strand). VCF-style: chr18-2951268-C-T. GRCh37 (hg19) VCF-style: chr18-2951266-C-T.
Other names: c.377G>A, p.Gly126Asp (NM_001375809.1, NM_014646.2); short protein forms G126D.
Identifiers: ClinVar variation 665823 (VCV000665823.7), dbSNP rs778376881, ClinGen allele CA8873567.

ClinVar aggregate classification (germline): Uncertain significance. Review status: criteria provided, multiple submitters, no conflicts (2 of 4 stars). 2 submissions from 2 submitters: Uncertain significance (2). Last evaluated 2025-08-22.

Conditions:
Inborn genetic diseases. Identifiers: MedGen C0950123, MeSH D030342.
Majeed syndrome (MJDS). Also called: LPIN2-Related Majeed Syndrome; CHRONIC RECURRENT MULTIFOCAL OSTEOMYELITIS 1, WITH CONGENITAL DYSERYTHROPOIETIC ANEMIA, WITH OR WITHOUT NEUTROPHILIC DERMATOSIS. Identifiers: Orphanet 77297, MedGen C1864997, MONDO:0012316, OMIM 609628.

Allele frequency attached by ClinVar (database versions not stated): gnomAD exomes 0.00002 and 0.00006; ExAC 0.00003; gnomAD 0.00003 and 0.00004; TOPMed 0.00003.

Submissions (2):

Ambry Genetics
Classification: Uncertain significance for Inborn genetic diseases. Last evaluated: 2025-08-22. Review status: criteria provided, single submitter. Criteria: Ambry Variant Classification Scheme 2023. Collection method: clinical testing. Allele origin: germline.

Labcorp Genetics (formerly Invitae), Labcorp
Classification: Uncertain significance for Majeed syndrome. Last evaluated: 2022-05-04. Review status: criteria provided, single submitter. Criteria: Invitae Variant Classification Sherloc (09022015). Collection method: clinical testing. Allele origin: germline.
Comment: This sequence change replaces glycine, which is neutral and non-polar, with aspartic acid, which is acidic and polar, at codon 126 of the LPIN2 protein (p.Gly126Asp). This variant is present in population databases (rs778376881, gnomAD 0.05%). This variant has not been reported in the literature in individuals affected with LPIN2-related conditions. ClinVar contains an entry for this variant (Variation ID: 665823). Algorithms developed to predict the effect of missense changes on protein structure and function (SIFT, PolyPhen-2, Align-GVGD) all suggest that this variant is likely to be tolerated. In summary, the available evidence is currently insufficient to determine the role of this variant in disease. Therefore, it has been classified as a Variant of Uncertain Significance.